The following is an entry in ClinVar:

ClinVar aggregate classification (germline): Benign/Likely benign. Review status: criteria provided, multiple submitters, no conflicts (2 of 4 stars). 5 submissions from 5 submitters: Benign (1); Likely benign (3). 1 of the submissions does not count toward it. Last evaluated 2025-09-10.

Conditions:
CACNA1G-related disorder. Also called: CACNA1G-related disorders; CACNA1G-related condition.

Allele frequency attached by ClinVar (database versions not stated): 1000 Genomes Project 30x 0.00047; ESP Exome Variant Server 0.00056; 1000 Genomes Project 0.00060; gnomAD exomes 0.00063 and 0.00065; gnomAD 0.00087 and 0.00092; TOPMed 0.00098; ExAC 0.00101.

Submissions (5):

Mayo Clinic Laboratories, Mayo Clinic
Classification: Benign. Last evaluated: 2025-09-10. Review status: criteria provided, single submitter. Criteria: ACMG Guidelines, 2015. Collection method: clinical testing. Allele origin: germline. Observed: 1 variant allele.
Comment: BS1, BS2, BP4

Labcorp Genetics (formerly Invitae), Labcorp
Classification: Likely benign. Last evaluated: 2025-03-27. Review status: criteria provided, single submitter. Criteria: Invitae Variant Classification Sherloc (09022015). Collection method: clinical testing. Allele origin: germline.

Blueprint Genetics
Classification: Likely benign. Last evaluated: 2024-10-22. Review status: criteria provided, single submitter. Criteria: ACMG Guidelines, 2015. Collection method: clinical testing. Allele origin: germline.

CeGaT Center for Human Genetics Tuebingen
Classification: Likely benign. Last evaluated: 2024-05-01. Review status: criteria provided, single submitter. Criteria: CeGaT Center For Human Genetics Tuebingen Variant Classification Criteria Version 2. Collection method: clinical testing. Allele origin: germline. Affected: yes. Observed: 12 variant alleles.
Comment: CACNA1G: BS1

PreventionGenetics, part of Exact Sciences
Classification: Likely benign for CACNA1G-related condition. Last evaluated: 2022-02-15. Review status: no assertion criteria provided. Collection method: clinical testing. Allele origin: germline. Not counted in ClinVar's aggregate classification.
Comment: This variant is classified as likely benign based on ACMG/AMP sequence variant interpretation guidelines (Richards et al. 2015 PMID: 25741868, with internal and published modifications).

NM_018896.5(CACNA1G):c.6298C>T (p.Pro2100Ser)

Gene: CACNA1G (calcium voltage-gated channel subunit alpha1 G; plus strand). Cytogenetic location: 17q21.33.
Variant type: single nucleotide variant.
Coding change: c.6298C>T on transcript NM_018896.5 (MANE Select); coding-DNA position 6298, C replaced by T.
Protein change: p.Pro2100Ser; replaces proline 2100 with serine.
Molecular consequence: missense variant. On other transcripts: non-coding transcript variant (5).
Genome position (GRCh38, 1-based): chr17:50,624,428, C>T. VCF-style: chr17-50624428-C-T. GRCh37 (hg19) VCF-style: chr17-48701789-C-T.
Other names: p.Pro2100Ser; c.5938C>T, p.Pro1980Ser (NM_001256359.2); c.5911C>T, p.Pro1971Ser (NM_001256360.2); c.5905C>T, p.Pro1969Ser (NM_001256361.2); c.5917C>T, p.Pro1973Ser (NM_198376.3, NM_001256329.2, NM_198387.3); c.6265C>T, p.Pro2089Ser (NM_198377.3); c.5986C>T, p.Pro1996Ser (NM_198378.3, NM_001256334.2); c.6061C>T, p.Pro2021Ser (NM_198379.3); and 16 more; short protein forms P1955S, P1969S, P1996S, P2037S, P2044S, P2066S, P2089S, P1962S.
Identifiers: ClinVar variation 745634 (VCV000745634.42), dbSNP rs201079826, ClinGen allele CA8653630.